The following is an entry in ClinVar:

ClinVar aggregate classification (germline): Uncertain significance (1 of 4 stars; one submission).

Conditions:
Hereditary cancer-predisposing syndrome. Also called: Hereditary Cancer Syndrome; Hereditary neoplastic syndrome; Tumor predisposition; Neoplastic Syndromes, Hereditary. Identifiers: Orphanet 140162, MedGen C0027672, MeSH D009386, MONDO:0015356.

Submission:

Ambry Genetics
Classification: Uncertain significance for Hereditary cancer-predisposing syndrome. Last evaluated: 2021-12-11. Review status: criteria provided, single submitter. Criteria: Ambry Variant Classification Scheme 2023. Collection method: clinical testing. Allele origin: germline.
Comment: The p.K76N variant (also known as c.228G>T), located in coding exon 3 of the POLE gene, results from a G to T substitution at nucleotide position 228. The lysine at codon 76 is replaced by asparagine, an amino acid with similar properties. This amino acid position is conserved. In addition, this alteration is predicted to be tolerated by in silico analysis. Since supporting evidence is limited at this time, the clinical significance of this alteration remains unclear.

NM_006231.4(POLE):c.228G>T (p.Lys76Asn)

Gene: POLE (DNA polymerase epsilon, catalytic subunit; minus strand). Cytogenetic location: 12q24.33.
Variant type: single nucleotide variant.
Coding change: c.228G>T on transcript NM_006231.4 (MANE Select); coding-DNA position 228, G replaced by T.
Protein change: p.Lys76Asn; replaces lysine 76 with asparagine.
Molecular consequence: missense variant.
Genome position (GRCh38, 1-based): chr12:132,680,664, C>A on the plus strand (G>T on the coding strand, the complement: POLE is on the minus strand). VCF-style: chr12-132680664-C-A. GRCh37 (hg19) VCF-style: chr12-133257250-C-A.
Other names: short protein forms K76N.
Identifiers: ClinVar variation 1789084 (VCV001789084.2), dbSNP rs1593087243, ClinGen allele CA387369277.